The following is an entry in ClinVar:

NM_004415.4(DSP):c.4983C>T (p.Val1661=)

Gene: DSP (desmoplakin; plus strand). Cytogenetic location: 6p24.3.
Variant type: single nucleotide variant.
Coding change: c.4983C>T on transcript NM_004415.4 (MANE Select); coding-DNA position 4983, C replaced by T.
Protein change: p.Val1661=; no amino-acid change (valine 1661 retained).
Molecular consequence: synonymous variant. On other transcripts: intron variant (2).
Genome position (GRCh38, 1-based): chr6:7,581,173, C>T. VCF-style: chr6-7581173-C-T. GRCh37 (hg19) VCF-style: chr6-7581406-C-T.
Other names: c.4050+933C>T (NM_001319034.2); c.3582+1401C>T (NM_001008844.3); c.4983C>T (NM_004415.3, LRG_423t1).
Identifiers: ClinVar variation 519539 (VCV000519539.23), dbSNP rs755233649, ClinGen allele CA133970567.
Genomic context (GRCh38, chr6:7,581,173, plus strand): 5'-TGGCCACCTGAGGGAAAAGCAGAGGACCCAGGAAGAGCTGAGGAGGCTCTCTTCTGAGGT[C>T]GAGGCCCTGAGGCGGCAGTTACTCCAGGAACAGGAAAGTGTCAAACAAGCTCACTTGAGG-3'
Protein context (NP_004406.2, residues 1651-1671): QEELRRLSSE[Val1661=]EALRRQLLQE

ClinVar aggregate classification (germline): Likely benign. Review status: criteria provided, multiple submitters, no conflicts (2 of 4 stars). 7 submissions from 7 submitters: Likely benign (7). Last evaluated 2026-08-07.

Conditions:
Arrhythmogenic right ventricular dysplasia 8 (ARVD8). Also called: Arrhythmogenic Right Ventricular Dysplasia/Cardiomyopathy 8; ARRHYTHMOGENIC RIGHT VENTRICULAR DYSPLASIA, FAMILIAL, 8; ARRHYTHMOGENIC RIGHT VENTRICULAR CARDIOMYOPATHY 8. Identifiers: MedGen C1843896, MONDO:0011831, OMIM 607450.
Arrhythmogenic cardiomyopathy with wooly hair and keratoderma. Also called: Carvajal syndrome; Dilated cardiomyopathy with woolly hair and keratoderma; Arrhythmogenic cardiomyopathy with woolly hair and keratoderma; PALMOPLANTAR KERATODERMA WITH LEFT VENTRICULAR CARDIOMYOPATHY AND WOOLLY HAIR. Identifiers: Orphanet 65282, MedGen C1854063, MONDO:0011581, OMIM 605676.
Cardiovascular phenotype. Identifiers: MedGen CN230736.
DSP-related disorder. Also called: DSP-related condition; DSP-related disorders.
Cardiomyopathy (CMYO). Also called: Cardiomyopathies. Identifiers: Orphanet 167848, MedGen C0878544, MONDO:0004994, HP:0001638. Inheritance: Various modes of inheritance.

Allele frequency attached by ClinVar (database versions not stated): gnomAD 0.00001 and 0.00003; TOPMed 0.00002.
gnomAD v4.1: 98 of 1,614,122 alleles (0.0061%); highest among the groups gnomAD compares: Non-Finnish European, 0.0077%; no homozygotes.

Submissions (7):

PreventionGenetics, part of Exact Sciences
Classification: Likely benign for DSP-related condition. Last evaluated: 2026-08-07. Review status: criteria provided, single submitter. Criteria: ACMG Guidelines, 2015. Collection method: clinical testing. Allele origin: germline.
Comment: This variant is classified as likely benign based on ACMG/AMP sequence variant interpretation guidelines (Richards et al. 2015 PMID: 25741868, with internal and published modifications).

CeGaT Center for Human Genetics Tuebingen
Classification: Likely benign. Last evaluated: 2026-05-01. Review status: criteria provided, single submitter. Criteria: CeGaT Center For Human Genetics Tuebingen Variant Classification Criteria Version 2. Collection method: clinical testing. Allele origin: germline. Affected: yes. Observed: 1 variant allele.
Comment: DSP: BP4, BP7

Labcorp Genetics (formerly Invitae), Labcorp
Classification: Likely benign for Arrhythmogenic cardiomyopathy with wooly hair and keratoderma; Arrhythmogenic right ventricular dysplasia 8. Last evaluated: 2026-01-16. Review status: criteria provided, single submitter. Criteria: Invitae Variant Classification Sherloc (09022015). Collection method: clinical testing. Allele origin: germline.

All of Us Research Program, National Institutes of Health
Classification: Likely benign for Arrhythmogenic cardiomyopathy with wooly hair and keratoderma. Last evaluated: 2023-10-02. Review status: criteria provided, single submitter. Criteria: ACMG Guidelines, 2015. Collection method: clinical testing. Allele origin: germline. Inheritance: Autosomal dominant inheritance. Observed: 7 variant alleles, 7 heterozygotes.
Comment: This study involves interpretation of variants in research participants for the purpose of population health screening. Participant phenotype was not available at the time of variant classification. Additional details can be found in publication PMID: 35346344, PMCID: PMC8962531

Blueprint Genetics
Classification: Likely benign. Last evaluated: 2020-06-12. Review status: criteria provided, single submitter. Criteria: ACMG Guidelines, 2015. Collection method: clinical testing. Allele origin: germline.

Color Diagnostics, LLC DBA Color Health
Classification: Likely benign for Cardiomyopathy. Last evaluated: 2018-11-08. Review status: criteria provided, single submitter. Criteria: ACMG Guidelines, 2015. Collection method: clinical testing. Allele origin: germline.

Ambry Genetics
Classification: Likely benign for Cardiovascular phenotype. Last evaluated: 2017-11-20. Review status: criteria provided, single submitter. Criteria: Ambry Variant Classification Scheme 2023. Collection method: clinical testing. Allele origin: germline.